The following is an entry in ClinVar:

NM_004958.4(MTOR):c.5613+3A>T

Gene: MTOR (mechanistic target of rapamycin kinase; minus strand). Cytogenetic location: 1p36.22.
Variant type: single nucleotide variant.
Coding change: c.5613+3A>T on transcript NM_004958.4 (MANE Select); 3 bases into the intron after coding-DNA position 5613, A replaced by T.
Molecular consequence: intron variant.
Genome position (GRCh38, 1-based): chr1:11,130,526, T>A on the plus strand (A>T on the coding strand, the complement: MTOR is on the minus strand). VCF-style: chr1-11130526-T-A. GRCh37 (hg19) VCF-style: chr1-11190583-T-A.
Other names: c.4365+3A>T (NM_001386501.1); c.5613+3A>T (NM_001386500.1).
Identifiers: ClinVar variation 1480943 (VCV001480943.6), dbSNP rs776382199, ClinGen allele CA589292.

ClinVar aggregate classification (germline): Uncertain significance (1 of 4 stars; one submission).

Allele frequency attached by ClinVar (database versions not stated): gnomAD exomes below 0.00001; TOPMed below 0.00001; ExAC 0.00002.
gnomAD v4.1: 6 of 1,611,950 alleles (0.00037%); highest among the groups gnomAD compares: Non-Finnish European, 0.00051%; no homozygotes.

Submission:

Labcorp Genetics (formerly Invitae), Labcorp
Classification: Uncertain significance. Last evaluated: 2021-04-09. Review status: criteria provided, single submitter. Criteria: Invitae Variant Classification Sherloc (09022015). Collection method: clinical testing. Allele origin: germline.
Comment: In summary, the available evidence is currently insufficient to determine the role of this variant in disease. Therefore, it has been classified as a Variant of Uncertain Significance. Nucleotide substitutions within the consensus splice site are a relatively common cause of aberrant splicing (PMID: 17576681, 9536098). Algorithms developed to predict the effect of sequence changes on RNA splicing suggest that this variant may disrupt the consensus splice site, but this prediction has not been confirmed by published transcriptional studies. This variant has not been reported in the literature in individuals with MTOR-related conditions. This variant is present in population databases (rs776382199, ExAC 0.003%). This sequence change falls in intron 39 of the MTOR gene. It does not directly change the encoded amino acid sequence of the MTOR protein. It affects a nucleotide within the consensus splice site of the intron.

Literature cited by the submitters: PubMed 17576681; PubMed 9536098.